The following is an entry in ClinVar:

NM_033026.6(PCLO):c.13100T>C (p.Val4367Ala)

Gene: PCLO (piccolo presynaptic cytomatrix protein; minus strand). Cytogenetic location: 7q21.11.
Variant type: single nucleotide variant.
Coding change: c.13100T>C on transcript NM_033026.6 (MANE Select); coding-DNA position 13100, T replaced by C.
Protein change: p.Val4367Ala; replaces valine 4367 with alanine.
Molecular consequence: missense variant.
Genome position (GRCh38, 1-based): chr7:82,914,886, A>G on the plus strand (T>C on the coding strand, the complement: PCLO is on the minus strand). VCF-style: chr7-82914886-A-G. GRCh37 (hg19) VCF-style: chr7-82544202-A-G.
Other names: c.13100T>C, p.Val4367Ala (NM_014510.3); short protein forms V4367A.
Identifiers: ClinVar variation 5037143 (VCV005037143.1).

ClinVar aggregate classification (germline): Uncertain significance (1 of 4 stars; one submission).

Submission:

GeneDx
Classification: Uncertain significance. Last evaluated: 2026-04-13. Review status: criteria provided, single submitter. Criteria: GeneDx Variant Classification Process June 2021. Collection method: clinical testing. Allele origin: germline.
Comment: Not observed at significant frequency in large population cohorts (gnomAD); In silico analysis supports that this missense variant has a deleterious effect on protein structure/function; Has not been previously published as pathogenic or benign to our knowledge